The following is an entry in ClinVar:

NM_152305.3(POGLUT1):c.602A>G (p.Lys201Arg)

Gene: POGLUT1 (protein O-glucosyltransferase 1; plus strand). Cytogenetic location: 3q13.33.
Variant type: single nucleotide variant.
Coding change: c.602A>G on transcript NM_152305.3 (MANE Select); coding-DNA position 602, A replaced by G.
Protein change: p.Lys201Arg; replaces lysine 201 with arginine.
Molecular consequence: missense variant. On other transcripts: non-coding transcript variant (1).
Genome position (GRCh38, 1-based): chr3:119,485,351, A>G. VCF-style: chr3-119485351-A-G. GRCh37 (hg19) VCF-style: chr3-119204198-A-G.
Other names: p.Lys201Arg; short protein forms K201R.
Identifiers: ClinVar variation 774604 (VCV000774604.36), dbSNP rs142565532, ClinGen allele CA2554924.

ClinVar aggregate classification (germline): Likely benign. Review status: criteria provided, multiple submitters, no conflicts (2 of 4 stars). 4 submissions from 4 submitters: Likely benign (4). Last evaluated 2026-09-01.

Conditions:
POGLUT1-related disorder. Also called: POGLUT1-related condition.

Allele frequency attached by ClinVar (database versions not stated): ExAC 0.00245; ESP Exome Variant Server 0.00269; gnomAD exomes 0.00320 and 0.00229; 1000 Genomes Project 30x 0.00016; gnomAD 0.00234 and 0.00244; TOPMed 0.00237.
gnomAD v4.1: 4,965 of 1,608,140 alleles (0.31%); highest among the groups gnomAD compares: Non-Finnish European, 0.39%; 16 homozygotes.

Submissions (4):

CeGaT Center for Human Genetics Tuebingen
Classification: Likely benign. Last evaluated: 2026-09-01. Review status: criteria provided, single submitter. Criteria: CeGaT Center For Human Genetics Tuebingen Variant Classification Criteria Version 2. Collection method: clinical testing. Allele origin: germline. Affected: yes. Observed: 7 variant alleles.
Comment: POGLUT1: BP4, BS2

PreventionGenetics, part of Exact Sciences
Classification: Likely benign for POGLUT1-related condition. Last evaluated: 2026-02-12. Review status: criteria provided, single submitter. Criteria: ACMG Guidelines, 2015. Collection method: clinical testing. Allele origin: germline.
Comment: This variant is classified as likely benign based on ACMG/AMP sequence variant interpretation guidelines (Richards et al. 2015 PMID: 25741868, with internal and published modifications).

Labcorp Genetics (formerly Invitae), Labcorp
Classification: Likely benign. Last evaluated: 2026-02-02. Review status: criteria provided, single submitter. Criteria: Invitae Variant Classification Sherloc (09022015). Collection method: clinical testing. Allele origin: germline.

Mayo Clinic Laboratories, Mayo Clinic
Classification: Likely benign. Last evaluated: 2025-04-30. Review status: criteria provided, single submitter. Criteria: ACMG Guidelines, 2015. Collection method: clinical testing. Allele origin: germline. Observed: 5 variant alleles.
Comment: BS1, BP4